The following is an entry in ClinVar:

ClinVar aggregate classification (germline): Conflicting classifications of pathogenicity. Review status: criteria provided, conflicting classifications (1 of 4 stars). 2 submissions from 2 submitters: Likely pathogenic (1); Uncertain significance (1). Last evaluated 2025-03-19.

Conditions:
Autosomal recessive nonsyndromic hearing loss 59. Identifiers: Orphanet 90636, MedGen C1857744, MONDO:0012445, OMIM 610220.

Submissions (2):

GeneDx
Classification: Uncertain significance. Last evaluated: 2025-03-19. Review status: criteria provided, single submitter. Criteria: GeneDx Variant Classification Process June 2021. Collection method: clinical testing. Allele origin: germline. Affected: yes.
Comment: Not observed at significant frequency in large population cohorts (gnomAD); In silico analysis indicates that this missense variant does not alter protein structure/function; Has not been previously published as pathogenic or benign to our knowledge

Institute of Rare Diseases, West China Hospital, Sichuan University
Classification: Likely pathogenic for Autosomal recessive nonsyndromic hearing loss 59. Last evaluated: 2025-01-09. Review status: criteria provided, single submitter. Criteria: ClinGen HL ACMG Specifications v1. Collection method: research. Allele origin: germline. Affected: yes.
Comment: PM3;PM5;PM2_Supporting;PP3

NM_001042702.5(PJVK):c.1017T>G (p.His339Gln)

Gene: PJVK (pejvakin; plus strand). Cytogenetic location: 2q31.2.
Variant type: single nucleotide variant.
Coding change: c.1017T>G on transcript NM_001042702.5 (MANE Select); coding-DNA position 1017, T replaced by G.
Protein change: p.His339Gln; replaces histidine 339 with glutamine.
Molecular consequence: missense variant.
Genome position (GRCh38, 1-based): chr2:178,461,232, T>G. VCF-style: chr2-178461232-T-G. GRCh37 (hg19) VCF-style: chr2-179325959-T-G.
Other names: c.1026T>G, p.His342Gln (NM_001353775.2); c.1023T>G, p.His341Gln (NM_001353776.2); c.540T>G, p.His180Gln (NM_001353777.1, NM_001353778.2); c.1017T>G, p.His339Gln (NM_001369912.1); c.1017T>G (NM_001042702.3); short protein forms H180Q, H339Q, H341Q, H342Q.
Identifiers: ClinVar variation 3601635 (VCV003601635.2).